The following is an entry in ClinVar:

ClinVar aggregate classification (germline): Conflicting classifications of pathogenicity. Review status: criteria provided, conflicting classifications (1 of 4 stars). 4 submissions from 4 submitters: Uncertain significance (2); Likely benign (2). Last evaluated 2026-01-26.

Conditions:
Donnai-Barrow syndrome. Also called: DBS/FOAR SYNDROME; FACIOOCULOACOUSTICORENAL SYNDROME. Identifiers: Orphanet 2143, MedGen C1857277, MONDO:0009104, OMIM 222448.
LRP2-related disorder. Also called: LRP2-related condition.

Allele frequency attached by ClinVar (database versions not stated): gnomAD exomes 0.00006 and 0.00010; ExAC 0.00007; TOPMed 0.00009; 1000 Genomes Project 30x 0.00016; gnomAD 0.00016; 1000 Genomes Project 0.00020.
gnomAD v4.1: 95 of 1,613,642 alleles (0.0059%); highest among the groups gnomAD compares: Admixed American, 0.025%; 1 homozygote.

Submissions (4):

Labcorp Genetics (formerly Invitae), Labcorp
Classification: Likely benign. Last evaluated: 2026-01-26. Review status: criteria provided, single submitter. Criteria: Invitae Variant Classification Sherloc (09022015). Collection method: clinical testing. Allele origin: germline.

PreventionGenetics, part of Exact Sciences
Classification: Uncertain significance for LRP2-related condition. Last evaluated: 2025-04-21. Review status: criteria provided, single submitter. Criteria: ACMG Guidelines, 2015. Collection method: clinical testing. Allele origin: germline.
Comment: The LRP2 c.2105G>A variant is predicted to result in the amino acid substitution p.Arg702His. To our knowledge, this variant has not been reported in the literature. This variant is reported in 0.037% of alleles in individuals of Latino descent in gnomAD. An alternate variant impacting the same amino acid position (p.Arg720Lu) has been reported in the homozygous state in an individual with dysmorphic features, hypotonia and nystagmus (Supplementary Table 2, Abolhassani et al. 2024. PubMed ID: 38374194). At this time, the clinical significance of this variant is uncertain due to the absence of conclusive functional and genetic evidence.

Blueprint Genetics
Classification: Likely benign. Last evaluated: 2023-11-08. Review status: criteria provided, single submitter. Criteria: ACMG Guidelines, 2015. Collection method: clinical testing. Allele origin: germline.

Clinical Genomics Laboratory, Stanford Medicine
Classification: Uncertain significance for Donnai-Barrow syndrome. Last evaluated: 2022-10-24. Review status: criteria provided, single submitter. Criteria: ACMG Guidelines, 2015. Collection method: clinical testing. Allele origin: germline. Observed: 1 variant allele, 1 heterozygote.

NM_004525.3(LRP2):c.2105G>A (p.Arg702His)

Gene: LRP2 (LDL receptor related protein 2; minus strand). Cytogenetic location: 2q31.1.
Variant type: single nucleotide variant.
Coding change: c.2105G>A on transcript NM_004525.3 (MANE Select); coding-DNA position 2105, G replaced by A.
Protein change: p.Arg702His; replaces arginine 702 with histidine.
Molecular consequence: missense variant.
Genome position (GRCh38, 1-based): chr2:169,272,938, C>T on the plus strand (G>A on the coding strand, the complement: LRP2 is on the minus strand). VCF-style: chr2-169272938-C-T. GRCh37 (hg19) VCF-style: chr2-170129448-C-T.
Other names: short protein forms R702H.
Identifiers: ClinVar variation 761065 (VCV000761065.12), dbSNP rs538946388, ClinGen allele CA1955392.